The following is an entry in ClinVar:

NM_001330078.2(NRXN1):c.1576C>G (p.His526Asp)

Gene: NRXN1 (neurexin 1; minus strand). Cytogenetic location: 2p16.3.
Variant type: single nucleotide variant.
Coding change: c.1576C>G on transcript NM_001330078.2 (MANE Select); coding-DNA position 1576, C replaced by G.
Protein change: p.His526Asp; replaces histidine 526 with aspartic acid.
Molecular consequence: missense variant.
Genome position (GRCh38, 1-based): chr2:50,552,770, G>C on the plus strand (C>G on the coding strand, the complement: NRXN1 is on the minus strand). VCF-style: chr2-50552770-G-C. GRCh37 (hg19) VCF-style: chr2-50779908-G-C.
Other names: c.1696C>G, p.His566Asp (NM_001135659.3); c.1564C>G, p.His522Asp (NM_001330094.2); c.1552C>G, p.His518Asp (NM_001330095.2, NM_001330077.2, NM_001330082.2); c.1492C>G, p.His498Asp (NM_001330096.2, NM_001330087.2); c.1576C>G, p.His526Asp (NM_004801.6, NM_001330085.2, NM_001330086.2); c.1537C>G, p.His513Asp (NM_001330083.2, NM_001330084.2); c.1522C>G, p.His508Asp (NM_001330088.2); c.1573C>G, p.His525Asp (NM_001330093.2); short protein forms H498D, H508D, H513D, H518D, H522D, H525D, H526D, H566D.
Identifiers: ClinVar variation 1713634 (VCV001713634.5), dbSNP rs200605622, ClinGen allele CA346773416.

ClinVar aggregate classification (germline): Uncertain significance (1 of 4 stars; one submission).

Conditions:
Pitt-Hopkins-like syndrome 2 (PTHSL2). Identifiers: Orphanet 221150, Orphanet 600663, MedGen C3280479, MONDO:0013690, OMIM 614325.

Submission:

Labcorp Genetics (formerly Invitae), Labcorp
Classification: Uncertain significance for Pitt-Hopkins-like syndrome 2. Last evaluated: 2024-01-31. Review status: criteria provided, single submitter. Criteria: Invitae Variant Classification Sherloc (09022015). Collection method: clinical testing. Allele origin: germline.
Comment: This sequence change replaces histidine, which is basic and polar, with aspartic acid, which is acidic and polar, at codon 566 of the NRXN1 protein (p.His566Asp). This variant is not present in population databases (gnomAD no frequency). This variant has not been reported in the literature in individuals affected with NRXN1-related conditions. ClinVar contains an entry for this variant (Variation ID: 1713634). Advanced modeling of protein sequence and biophysical properties (such as structural, functional, and spatial information, amino acid conservation, physicochemical variation, residue mobility, and thermodynamic stability) performed at Invitae indicates that this missense variant is not expected to disrupt NRXN1 protein function with a negative predictive value of 80%. In summary, the available evidence is currently insufficient to determine the role of this variant in disease. Therefore, it has been classified as a Variant of Uncertain Significance.